The following is an entry in ClinVar:

NM_000147.5(FUCA1):c.524+4_524+5del

Genes: FUCA1 (alpha-L-fucosidase 1; minus strand), LOC126805661 (BRD4-independent group 4 enhancer GRCh37_chr1:24191742-24192941; plus strand). Cytogenetic location: 1p36.11.
Variant type: Deletion.
Coding change: c.524+4_524+5del on transcript NM_000147.5 (MANE Select); bases 4 to 5 of the intron after coding-DNA position 524, 2 bases deleted (AG; older notation c.524+4_524+5delAG).
Molecular consequence: intron variant.
Genome position (GRCh38, 1-based): chr1:23,865,486-23,865,487, CT deleted on the plus strand (AG on the coding strand, the reverse complement: FUCA1 is on the minus strand); deleting any 2 consecutive bases within chr1:23,865,486-23,865,488 gives the same sequence; the c. name uses the placement nearest the transcript's 3' end. VCF-style (leftmost placement, unchanged base first): chr1-23865485-ACT-A. GRCh37 (hg19) VCF-style: chr1-24191975-ACT-A.
Identifiers: ClinVar variation 1362473 (VCV001362473.3), dbSNP rs1158652644, ClinGen allele CA521651690.

ClinVar aggregate classification (germline): Uncertain significance (1 of 4 stars; one submission).

Conditions:
Fucosidosis. Also called: ALPHA-L-FUCOSIDASE DEFICIENCY. Identifiers: Orphanet 349, MedGen C0016788, MONDO:0009254, OMIM 230000.

Submission:

Labcorp Genetics (formerly Invitae), Labcorp
Classification: Uncertain significance for Fucosidosis. Last evaluated: 2022-07-06. Review status: criteria provided, single submitter. Criteria: Invitae Variant Classification Sherloc (09022015). Collection method: clinical testing. Allele origin: germline.
Comment: This sequence change falls in intron 2 of the FUCA1 gene. It does not directly change the encoded amino acid sequence of the FUCA1 protein. It affects a nucleotide within the consensus splice site. This variant is present in population databases (no rsID available, gnomAD 0.0009%). This variant has not been reported in the literature in individuals affected with FUCA1-related conditions. ClinVar contains an entry for this variant (Variation ID: 1362473). Variants that disrupt the consensus splice site are a relatively common cause of aberrant splicing (PMID: 17576681, 9536098). Algorithms developed to predict the effect of sequence changes on RNA splicing suggest that this variant is not likely to affect RNA splicing. In summary, the available evidence is currently insufficient to determine the role of this variant in disease. Therefore, it has been classified as a Variant of Uncertain Significance.

Literature cited by the submitters: PubMed 17576681; PubMed 9536098.